The following is an entry in ClinVar:

NM_001127222.2(CACNA1A):c.5098A>G (p.Met1700Val)

Gene: CACNA1A (calcium voltage-gated channel subunit alpha1 A; minus strand). Cytogenetic location: 19p13.13.
Variant type: single nucleotide variant.
Coding change: c.5098A>G on transcript NM_001127222.2 (MANE Select); coding-DNA position 5098, A replaced by G.
Protein change: p.Met1700Val; replaces methionine 1700 with valine.
Molecular consequence: missense variant.
Genome position (GRCh38, 1-based): chr19:13,235,244, T>C on the plus strand (A>G on the coding strand, the complement: CACNA1A is on the minus strand). VCF-style: chr19-13235244-T-C. GRCh37 (hg19) VCF-style: chr19-13346058-T-C.
Other names: c.5116A>G, p.Met1706Val (NM_000068.4, NM_023035.3); c.5101A>G, p.Met1701Val (NM_001127221.2); c.5107A>G, p.Met1703Val (NM_001174080.2); short protein forms M1700V, M1701V, M1703V, M1706V.
Identifiers: ClinVar variation 1706267 (VCV001706267.6), dbSNP rs2055834601, ClinGen allele CA404335880.
Genomic context (GRCh38, chr19:13,235,244, plus strand): 5'-GGAACCTTAGGGACACGACACTCACCTGCATCCCAATGATGGCATAGATGAAGAAGAGCA[T>C]GGCGATCAGCAGACAGACATAAGGCAGGGCCTGGTGGGAAAAAAGGCAATGAAGAAGAGT-3'
Protein context (NP_001120694.1, residues 1690-1710): ALPYVCLLIA[Met1700Val]LFFIYAIIGM

ClinVar aggregate classification (germline): Uncertain significance. Review status: criteria provided, multiple submitters, no conflicts (2 of 4 stars). 3 submissions from 3 submitters: Uncertain significance (3). Last evaluated 2024-12-05.

Conditions:
Developmental and epileptic encephalopathy, 42 (DEE42A). Also called: DEVELOPMENTAL AND EPILEPTIC ENCEPHALOPATHY 42A; EPILEPTIC ENCEPHALOPATHY, EARLY INFANTILE, 42A; Epileptic encephalopathy, early infantile, 42. Identifiers: MedGen C4310716, MONDO:0014917, OMIM 617106.
Episodic ataxia type 2 (EA2). Also called: ACETAZOLAMIDE-RESPONSIVE HEREDITARY PAROXYSMAL CEREBELLAR ATAXIA; CEREBELLAR ATAXIA, PAROXYSMAL, ACETAZOLAMIDE-RESPONSIVE; CEREBELLOPATHY, HEREDITARY PAROXYSMAL; EPISODIC ATAXIA, NYSTAGMUS-ASSOCIATED; ATAXIA, EPISODIC, WITH NYSTAGMUS; ATAXIA, FAMILIAL PAROXYSMAL. Identifiers: Orphanet 97, MedGen C1720416, MONDO:0007163, OMIM 108500.

Allele frequency attached by ClinVar (database versions not stated): TOPMed below 0.00001.

Submissions (3):

Labcorp Genetics (formerly Invitae), Labcorp
Classification: Uncertain significance for Developmental and epileptic encephalopathy, 42; Episodic ataxia type 2. Last evaluated: 2024-12-05. Review status: criteria provided, single submitter. Criteria: Invitae Variant Classification Sherloc (09022015). Collection method: clinical testing. Allele origin: germline.
Comment: This sequence change replaces methionine, which is neutral and non-polar, with valine, which is neutral and non-polar, at codon 1701 of the CACNA1A protein (p.Met1701Val). This variant is not present in population databases (gnomAD no frequency). This variant has not been reported in the literature in individuals affected with CACNA1A-related conditions. ClinVar contains an entry for this variant (Variation ID: 1706267). Invitae Evidence Modeling of protein sequence and biophysical properties (such as structural, functional, and spatial information, amino acid conservation, physicochemical variation, residue mobility, and thermodynamic stability) has been performed for this missense variant. However, the output from this modeling did not meet the statistical confidence thresholds required to predict the impact of this variant on CACNA1A protein function. In summary, the available evidence is currently insufficient to determine the role of this variant in disease. Therefore, it has been classified as a Variant of Uncertain Significance.

GeneDx
Classification: Uncertain significance. Last evaluated: 2024-09-18. Review status: criteria provided, single submitter. Criteria: GeneDx Variant Classification Process June 2021. Collection method: clinical testing. Allele origin: germline.
Comment: Not observed at significant frequency in large population cohorts (gnomAD); In silico analysis supports that this missense variant has a deleterious effect on protein structure/function; Has not been previously published as pathogenic or benign to our knowledge

Women's Health and Genetics/Laboratory Corporation of America, LabCorp
Classification: Uncertain significance. Last evaluated: 2024-07-03. Review status: criteria provided, single submitter. Criteria: LabCorp Variant Classification Summary - May 2015. Collection method: clinical testing. Allele origin: germline.
Comment: Variant summary: CACNA1A c.5101A>G (p.Met1701Val) results in a conservative amino acid change located in the fourth ion transport domain (IPR005821) of the encoded protein sequence. Three of five in-silico tools predict a damaging effect of the variant on protein function. The frequency data for this variant in gnomAD is considered unreliable, as metrics indicate poor data quality at this position. To our knowledge, no occurrence of c.5101A>G in individuals affected with Epileptic Encephalopathy, Early Infantile, 42 and no experimental evidence demonstrating its impact on protein function have been reported. ClinVar contains an entry for this variant (Variation ID: 1706267). Based on the evidence outlined above, the variant was classified as uncertain significance.